The following is an entry in ClinVar:

ClinVar aggregate classification (germline): Uncertain significance. Review status: criteria provided, multiple submitters, no conflicts (2 of 4 stars). 3 submissions from 3 submitters: Uncertain significance (3). Last evaluated 2023-12-05.

Conditions:
Hereditary cancer-predisposing syndrome. Also called: Hereditary Cancer Syndrome; Neoplastic Syndromes, Hereditary; Tumor predisposition; Hereditary neoplastic syndrome. Identifiers: Orphanet 140162, MedGen C0027672, MeSH D009386, MONDO:0015356.
Familial cancer of breast. Also called: Hereditary breast cancer; BREAST CANCER, FAMILIAL; hereditary breast carcinoma. Identifiers: Orphanet 227535, MedGen C0346153, MONDO:0016419, OMIM 114480. Disease mechanism: loss of function.

Submissions (3):

Color Diagnostics, LLC DBA Color Health
Classification: Uncertain significance for Hereditary cancer-predisposing syndrome. Last evaluated: 2023-12-05. Review status: criteria provided, single submitter. Criteria: ACMG Guidelines, 2015. Collection method: clinical testing. Allele origin: germline.
Comment: This missense variant replaces valine with phenylalanine at codon 456 of the BARD1 protein. Computational prediction suggests that this variant may not impact protein structure and function (internally defined REVEL score threshold <= 0.5, PMID: 27666373). To our knowledge, functional studies have not been reported for this variant. This variant has not been reported in individuals affected with BARD1-related disorders in the literature. This variant has not been identified in the general population by the Genome Aggregation Database (gnomAD). The available evidence is insufficient to determine the role of this variant in disease conclusively. Therefore, this variant is classified as a Variant of Uncertain Significance.

Ambry Genetics
Classification: Uncertain significance for Hereditary cancer-predisposing syndrome. Last evaluated: 2023-11-10. Review status: criteria provided, single submitter. Criteria: Ambry Variant Classification Scheme 2023. Collection method: clinical testing. Allele origin: germline.
Comment: The p.V456F variant (also known as c.1366G>T), located in coding exon 5 of the BARD1 gene, results from a G to T substitution at nucleotide position 1366. The valine at codon 456 is replaced by phenylalanine, an amino acid with highly similar properties. This amino acid position is conserved. In addition, the in silico prediction for this alteration is inconclusive. Since supporting evidence is limited at this time, the clinical significance of this alteration remains unclear.

Labcorp Genetics (formerly Invitae), Labcorp
Classification: Uncertain significance for Familial cancer of breast. Last evaluated: 2021-11-07. Review status: criteria provided, single submitter. Criteria: Invitae Variant Classification Sherloc (09022015). Collection method: clinical testing. Allele origin: germline.
Comment: In summary, the available evidence is currently insufficient to determine the role of this variant in disease. Therefore, it has been classified as a Variant of Uncertain Significance. Algorithms developed to predict the effect of missense changes on protein structure and function are either unavailable or do not agree on the potential impact of this missense change (SIFT: "Deleterious"; PolyPhen-2: "Probably Damaging"; Align-GVGD: "Class C0"). ClinVar contains an entry for this variant (Variation ID: 490930). This variant has not been reported in the literature in individuals affected with BARD1-related conditions. This variant is not present in population databases (gnomAD no frequency). This sequence change replaces valine, which is neutral and non-polar, with phenylalanine, which is neutral and non-polar, at codon 456 of the BARD1 protein (p.Val456Phe).

NM_000465.4(BARD1):c.1366G>T (p.Val456Phe)

Gene: BARD1 (BRCA1 associated RING domain 1; minus strand). Cytogenetic location: 2q35.
Variant type: single nucleotide variant.
Coding change: c.1366G>T on transcript NM_000465.4 (MANE Select); coding-DNA position 1366, G replaced by T.
Protein change: p.Val456Phe; replaces valine 456 with phenylalanine.
Molecular consequence: missense variant. On other transcripts: non-coding transcript variant (3), intron variant (3).
Genome position (GRCh38, 1-based): chr2:214,769,261, C>A on the plus strand (G>T on the coding strand, the complement: BARD1 is on the minus strand). VCF-style: chr2-214769261-C-A. GRCh37 (hg19) VCF-style: chr2-215633985-C-A.
Other names: c.1309G>T, p.Val437Phe (NM_001282543.2); c.159-16706G>T (NM_001282548.2); c.216-16706G>T (NM_001282545.2); c.364+23036G>T (NM_001282549.2); c.1366G>T (NM_000465.2); short protein forms V456F, V437F.
Identifiers: ClinVar variation 490930 (VCV000490930.13), dbSNP rs1553619705, ClinGen allele CA350450251.
Genomic context (GRCh38, chr2:214,769,261, plus strand): 5'-GAAAGAATGAGAATAAAAACCAGACAACTACCAATGGTGTCCATCCAGCATGGTCTTTAA[C>A]ATTTGGATCACTTCCATTTTGTAAAAGGTATTCAACAGAAGGTATGTCGCCCTAGAAAAA-3'
Protein context (NP_000456.2, residues 446-466): YLLQNGSDPN[Val456Phe]KDHAGWTPLH